The following is an entry in ClinVar:

NM_005630.3(SLCO2A1):c.1417G>A (p.Gly473Ser)

Genes: SLCO2A1 (solute carrier organic anion transporter family member 2A1; minus strand), LOC123038185 (Sharpr-MPRA regulatory region 14374; plus strand). Cytogenetic location: 3q22.1.
Variant type: single nucleotide variant.
Coding change: c.1417G>A on transcript NM_005630.3 (MANE Select); coding-DNA position 1417, G replaced by A.
Protein change: p.Gly473Ser; replaces glycine 473 with serine.
Molecular consequence: missense variant.
Genome position (GRCh38, 1-based): chr3:133,945,139, C>T on the plus strand (G>A on the coding strand, the complement: SLCO2A1 is on the minus strand). VCF-style: chr3-133945139-C-T. GRCh37 (hg19) VCF-style: chr3-133663983-C-T.
Other names: short protein forms G473S.
Identifiers: ClinVar variation 1898146 (VCV001898146.2), dbSNP rs574080271, ClinGen allele CA2626473.

ClinVar aggregate classification (germline): Uncertain significance (1 of 4 stars; one submission).

Allele frequency attached by ClinVar (database versions not stated): ExAC 0.00002; gnomAD exomes 0.00003; gnomAD 0.00008; TOPMed 0.00009; 1000 Genomes Project 30x 0.00016; 1000 Genomes Project 0.00020.
gnomAD v4.1: 58 of 1,613,936 alleles (0.0036%); highest among the groups gnomAD compares: African/African-American, 0.025%; 1 homozygote.

Submission:

Labcorp Genetics (formerly Invitae), Labcorp
Classification: Uncertain significance. Last evaluated: 2022-06-03. Review status: criteria provided, single submitter. Criteria: Invitae Variant Classification Sherloc (09022015). Collection method: clinical testing. Allele origin: germline.
Comment: This sequence change replaces glycine, which is neutral and non-polar, with serine, which is neutral and polar, at codon 473 of the SLCO2A1 protein (p.Gly473Ser). This variant is present in population databases (rs574080271, gnomAD 0.02%), including at least one homozygous and/or hemizygous individual. This variant has not been reported in the literature in individuals affected with SLCO2A1-related conditions. Algorithms developed to predict the effect of missense changes on protein structure and function (SIFT, PolyPhen-2, Align-GVGD) all suggest that this variant is likely to be disruptive. In summary, the available evidence is currently insufficient to determine the role of this variant in disease. Therefore, it has been classified as a Variant of Uncertain Significance.